The following is an entry in ClinVar:

ClinVar aggregate classification (germline): Uncertain significance (1 of 4 stars; one submission).

Allele frequency attached by ClinVar (database versions not stated): gnomAD exomes below 0.00001; TOPMed below 0.00001; gnomAD 0.00001.
gnomAD v4.1: 2 of 1,613,910 alleles (0.00012%); highest among the groups gnomAD compares: Non-Finnish European, 0.00017%; no homozygotes.

Submission:

Labcorp Genetics (formerly Invitae), Labcorp
Classification: Uncertain significance. Last evaluated: 2019-04-09. Review status: criteria provided, single submitter. Criteria: Invitae Variant Classification Sherloc (09022015). Collection method: clinical testing. Allele origin: germline.
Comment: Algorithms developed to predict the effect of missense changes on protein structure and function are either unavailable or do not agree on the potential impact of this missense change (SIFT: "Deleterious"; PolyPhen-2: "Probably Damaging"; Align-GVGD: "Class C15"). In summary, the available evidence is currently insufficient to determine the role of this variant in disease. Therefore, it has been classified as a Variant of Uncertain Significance. This variant has not been reported in the literature in individuals with RETREG1-related conditions. This variant is not present in population databases (ExAC no frequency). This sequence change replaces glutamic acid with glycine at codon 467 of the RETREG1 protein (p.Glu467Gly). The glutamic acid residue is highly conserved and there is a moderate physicochemical difference between glutamic acid and glycine.

NM_001034850.3(RETREG1):c.1400A>G (p.Glu467Gly)

Gene: RETREG1 (reticulophagy regulator 1; minus strand). Cytogenetic location: 5p15.1.
Variant type: single nucleotide variant.
Coding change: c.1400A>G on transcript NM_001034850.3 (MANE Select); coding-DNA position 1400, A replaced by G.
Protein change: p.Glu467Gly; replaces glutamic acid 467 with glycine.
Molecular consequence: missense variant.
Genome position (GRCh38, 1-based): chr5:16,474,835, T>C on the plus strand (A>G on the coding strand, the complement: RETREG1 is on the minus strand). VCF-style: chr5-16474835-T-C. GRCh37 (hg19) VCF-style: chr5-16474944-T-C.
Other names: c.977A>G, p.Glu326Gly (NM_019000.5); short protein forms E467G, E326G.
Identifiers: ClinVar variation 949709 (VCV000949709.9), dbSNP rs1738455329, ClinGen allele CA359255619.
Genomic context (GRCh38, chr5:16,474,835, plus strand): 5'-GAAGACTTCTTATTTTGCTGTGCTTCTGCTTCCTGGTCTTGTGTAAGTCCCAATTCACTC[T>C]CAATTTGATCCAGCTCTGACTGGTCAAGTAGTTCAAAGTCATCACCTTCTTCAGTGTCTG-3'
Protein context (NP_001030022.1, residues 457-477): LLDQSELDQI[Glu467Gly]SELGLTQDQE